The following is an entry in ClinVar:

ClinVar aggregate classification (germline): Likely pathogenic (1 of 4 stars; one submission).

Submission:

Labcorp Genetics (formerly Invitae), Labcorp
Classification: Likely pathogenic. Last evaluated: 2025-10-22. Review status: criteria provided, single submitter. Criteria: Invitae Variant Classification Sherloc (09022015). Collection method: clinical testing. Allele origin: germline.
Comment: This sequence change affects a donor splice site in intron 16 of the PIK3C2A gene. It is expected to disrupt RNA splicing. Variants that disrupt the donor or acceptor splice site typically lead to a loss of protein function (PMID: 16199547), and loss-of-function variants in PIK3C2A are known to be pathogenic (PMID: 31034465). This variant is not present in population databases (gnomAD no frequency). This variant has not been reported in the literature in individuals affected with PIK3C2A-related conditions. Algorithms developed to predict the effect of sequence changes on RNA splicing suggest that this variant may disrupt the consensus splice site. In summary, the currently available evidence indicates that the variant is pathogenic, but additional data are needed to prove that conclusively. Therefore, this variant has been classified as Likely Pathogenic.

Literature cited by the submitters: PubMed 16199547; PubMed 31034465.

NM_002645.4(PIK3C2A):c.2846+1G>T

Gene: PIK3C2A (phosphatidylinositol-4-phosphate 3-kinase catalytic subunit type 2 alpha; minus strand). Cytogenetic location: 11p15.1.
Variant type: single nucleotide variant.
Coding change: c.2846+1G>T on transcript NM_002645.4 (MANE Select); the canonical splice donor site of the intron after coding-DNA position 2846, G replaced by T.
Molecular consequence: splice donor variant.
Genome position (GRCh38, 1-based): chr11:17,119,785, C>A on the plus strand (G>T on the coding strand, the complement: PIK3C2A is on the minus strand). VCF-style: chr11-17119785-C-A. GRCh37 (hg19) VCF-style: chr11-17141332-C-A.
Other names: c.1706+1G>T (NM_001321380.2); c.2678+1G>T (NM_001386870.1); c.2846+1G>T (NM_001321378.2).
Identifiers: ClinVar variation 4713625 (VCV004713625.1).